The following is an entry in ClinVar:

NM_000369.5(TSHR):c.1689T>G (p.Tyr563Ter)

Genes: TSHR (thyroid stimulating hormone receptor; plus strand), TSHR-AS1 (TSHR antisense RNA 1; minus strand). Cytogenetic location: 14q31.1.
Variant type: single nucleotide variant.
Coding change: c.1689T>G on transcript NM_000369.5 (MANE Select); coding-DNA position 1689, T replaced by G.
Protein change: p.Tyr563Ter; replaces tyrosine 563 with a stop codon.
Molecular consequence: nonsense.
Genome position (GRCh38, 1-based): chr14:81,143,747, T>G. VCF-style: chr14-81143747-T-G. GRCh37 (hg19) VCF-style: chr14-81610091-T-G.
Other names: short protein forms Y563*.
Identifiers: ClinVar variation 2859908 (VCV002859908.3), dbSNP rs760400112, ClinGen allele CA390728414.

ClinVar aggregate classification (germline): Pathogenic (1 of 4 stars; one submission).

Submission:

Labcorp Genetics (formerly Invitae), Labcorp
Classification: Pathogenic. Last evaluated: 2023-04-28. Review status: criteria provided, single submitter. Criteria: Invitae Variant Classification Sherloc (09022015). Collection method: clinical testing. Allele origin: germline.
Comment: For these reasons, this variant has been classified as Pathogenic. This variant disrupts a region of the TSHR protein in which other variant(s) (p.Leu653Val) have been determined to be pathogenic (PMID: 17456567, 19240155). This suggests that this is a clinically significant region of the protein, and that variants that disrupt it are likely to be disease-causing. This variant has not been reported in the literature in individuals affected with TSHR-related conditions. This variant is not present in population databases (gnomAD no frequency). This sequence change creates a premature translational stop signal (p.Tyr563*) in the TSHR gene. While this is not anticipated to result in nonsense mediated decay, it is expected to disrupt the last 202 amino acid(s) of the TSHR protein.

Literature cited by the submitters: PubMed 17456567; PubMed 19240155.